The following is an entry in ClinVar:

ClinVar aggregate classification (germline): Uncertain significance. Review status: criteria provided, multiple submitters, no conflicts (2 of 4 stars). 3 submissions from 3 submitters: Uncertain significance (3). Last evaluated 2024-11-21.

Conditions:
Neurodevelopmental disorder with nonspecific brain abnormalities and with or without seizures. Identifiers: MedGen C5231470, MONDO:0032877, OMIM 618709.
Inborn genetic diseases. Identifiers: MedGen C0950123, MeSH D030342.

Allele frequency attached by ClinVar (database versions not stated): gnomAD exomes 0.00002; TOPMed 0.00002; gnomAD 0.00003; 1000 Genomes Project 30x 0.00016; 1000 Genomes Project 0.00020.
gnomAD v4.1: 31 of 1,605,080 alleles (0.0019%); highest among the groups gnomAD compares: Non-Finnish European, 0.0025%; no homozygotes.

Submissions (3):

Ambry Genetics
Classification: Uncertain significance for Inborn genetic diseases. Last evaluated: 2024-11-21. Review status: criteria provided, single submitter. Criteria: Ambry Variant Classification Scheme 2023. Collection method: clinical testing. Allele origin: germline.

Labcorp Genetics (formerly Invitae), Labcorp
Classification: Uncertain significance. Last evaluated: 2022-10-13. Review status: criteria provided, single submitter. Criteria: Invitae Variant Classification Sherloc (09022015). Collection method: clinical testing. Allele origin: germline.
Comment: This sequence change replaces valine, which is neutral and non-polar, with methionine, which is neutral and non-polar, at codon 548 of the DLL1 protein (p.Val548Met). The frequency data for this variant in the population databases is considered unreliable, as metrics indicate poor data quality at this position in the gnomAD database. This variant has not been reported in the literature in individuals affected with DLL1-related conditions. Algorithms developed to predict the effect of missense changes on protein structure and function are either unavailable or do not agree on the potential impact of this missense change (SIFT: "Deleterious"; PolyPhen-2: "Probably Damaging"; Align-GVGD: "Class C15"). In summary, the available evidence is currently insufficient to determine the role of this variant in disease. Therefore, it has been classified as a Variant of Uncertain Significance.

Revvity Omics, Revvity
Classification: Uncertain significance for Neurodevelopmental disorder with nonspecific brain abnormalities and with or without seizures. Last evaluated: 2022-09-15. Review status: criteria provided, single submitter. Criteria: ACMG Guidelines, 2015. Collection method: clinical testing. Allele origin: germline.

NM_005618.4(DLL1):c.1642G>A (p.Val548Met)

Gene: DLL1 (delta like canonical Notch ligand 1; minus strand). Cytogenetic location: 6q27.
Variant type: single nucleotide variant.
Coding change: c.1642G>A on transcript NM_005618.4 (MANE Select); coding-DNA position 1642, G replaced by A.
Protein change: p.Val548Met; replaces valine 548 with methionine.
Molecular consequence: missense variant.
Genome position (GRCh38, 1-based): chr6:170,283,637, C>T on the plus strand (G>A on the coding strand, the complement: DLL1 is on the minus strand). VCF-style: chr6-170283637-C-T. GRCh37 (hg19) VCF-style: chr6-170592725-C-T.
Other names: c.1642G>A (NM_005618.3); short protein forms V548M.
Identifiers: ClinVar variation 1924434 (VCV001924434.9), dbSNP rs568359643, ClinGen allele CA152190449.